The following is an entry in ClinVar:

ClinVar aggregate classification (germline): Uncertain significance (1 of 4 stars; one submission).

Submission:

Labcorp Genetics (formerly Invitae), Labcorp
Classification: Uncertain significance. Last evaluated: 2023-08-27. Review status: criteria provided, single submitter. Criteria: Invitae Variant Classification Sherloc (09022015). Collection method: clinical testing. Allele origin: germline.
Comment: In summary, the available evidence is currently insufficient to determine the role of this variant in disease. Therefore, it has been classified as a Variant of Uncertain Significance. Advanced modeling of protein sequence and biophysical properties (such as structural, functional, and spatial information, amino acid conservation, physicochemical variation, residue mobility, and thermodynamic stability) performed at Invitae indicates that this missense variant is not expected to disrupt TBX6 protein function. This sequence change replaces glycine, which is neutral and non-polar, with valine, which is neutral and non-polar, at codon 395 of the TBX6 protein (p.Gly395Val). This variant is not present in population databases (gnomAD no frequency). This variant has not been reported in the literature in individuals affected with TBX6-related conditions.

NM_004608.4(TBX6):c.1184G>T (p.Gly395Val)

Gene: TBX6 (T-box transcription factor 6; minus strand). Cytogenetic location: 16p11.2.
Variant type: single nucleotide variant.
Coding change: c.1184G>T on transcript NM_004608.4 (MANE Select); coding-DNA position 1184, G replaced by T.
Protein change: p.Gly395Val; replaces glycine 395 with valine.
Molecular consequence: missense variant.
Genome position (GRCh38, 1-based): chr16:30,086,352, C>A on the plus strand (G>T on the coding strand, the complement: TBX6 is on the minus strand). VCF-style: chr16-30086352-C-A. GRCh37 (hg19) VCF-style: chr16-30097673-C-A.
Other names: short protein forms G395V.
Identifiers: ClinVar variation 2752140 (VCV002752140.3), dbSNP rs1596847759, ClinGen allele CA395512676.